The following is an entry in ClinVar:

ClinVar aggregate classification (germline): Uncertain significance (1 of 4 stars; one submission).

Allele frequency attached by ClinVar (database versions not stated): ExAC 0.00003; TOPMed below 0.00001.
gnomAD v4.1: 12 of 1,608,372 alleles (0.00075%); highest among the groups gnomAD compares: East Asian, 0.027%; no homozygotes.

Submission:

Labcorp Genetics (formerly Invitae), Labcorp
Classification: Uncertain significance. Last evaluated: 2025-04-28. Review status: criteria provided, single submitter. Criteria: Invitae Variant Classification Sherloc (09022015). Collection method: clinical testing. Allele origin: germline.
Comment: This sequence change replaces proline, which is neutral and non-polar, with leucine, which is neutral and non-polar, at codon 672 of the DVL3 protein (p.Pro672Leu). This variant is present in population databases (rs753752963, gnomAD 0.02%). This variant has not been reported in the literature in individuals affected with DVL3-related conditions. ClinVar contains an entry for this variant (Variation ID: 1975259). Invitae Evidence Modeling of protein sequence and biophysical properties (such as structural, functional, and spatial information, amino acid conservation, physicochemical variation, residue mobility, and thermodynamic stability) indicates that this missense variant is not expected to disrupt DVL3 protein function with a negative predictive value of 80%. In summary, the available evidence is currently insufficient to determine the role of this variant in disease. Therefore, it has been classified as a Variant of Uncertain Significance.

NM_004423.4(DVL3):c.2015C>T (p.Pro672Leu)

Gene: DVL3 (dishevelled segment polarity protein 3; plus strand). Cytogenetic location: 3q27.1.
Variant type: single nucleotide variant.
Coding change: c.2015C>T on transcript NM_004423.4 (MANE Select); coding-DNA position 2015, C replaced by T.
Protein change: p.Pro672Leu; replaces proline 672 with leucine.
Molecular consequence: missense variant.
Genome position (GRCh38, 1-based): chr3:184,170,619, C>T. VCF-style: chr3-184170619-C-T. GRCh37 (hg19) VCF-style: chr3-183888407-C-T.
Other names: short protein forms P672L.
Identifiers: ClinVar variation 1975259 (VCV001975259.5), dbSNP rs753752963, ClinGen allele CA2727570.